The following is an entry in ClinVar:

NM_207352.4(CYP4V2):c.229A>T (p.Ile77Phe)

Gene: CYP4V2 (cytochrome P450 family 4 subfamily V member 2; plus strand). Cytogenetic location: 4q35.1.
Variant type: single nucleotide variant.
Coding change: c.229A>T on transcript NM_207352.4 (MANE Select); coding-DNA position 229, A replaced by T.
Protein change: p.Ile77Phe; replaces isoleucine 77 with phenylalanine.
Molecular consequence: missense variant.
Genome position (GRCh38, 1-based): chr4:186,194,514, A>T. VCF-style: chr4-186194514-A-T. GRCh37 (hg19) VCF-style: chr4-187115668-A-T.
Other names: short protein forms I77F.
Identifiers: ClinVar variation 1044899 (VCV001044899.8), dbSNP rs1736084760, ClinGen allele CA358946827.

ClinVar aggregate classification (germline): Uncertain significance (1 of 4 stars; one submission).

Submission:

Labcorp Genetics (formerly Invitae), Labcorp
Classification: Uncertain significance. Last evaluated: 2024-05-13. Review status: criteria provided, single submitter. Criteria: Invitae Variant Classification Sherloc (09022015). Collection method: clinical testing. Allele origin: germline.
Comment: This sequence change replaces isoleucine, which is neutral and non-polar, with phenylalanine, which is neutral and non-polar, at codon 77 of the CYP4V2 protein (p.Ile77Phe). This variant is not present in population databases (gnomAD no frequency). This missense change has been observed in individual(s) with clinical features of retinitis pigmentosa (Invitae). ClinVar contains an entry for this variant (Variation ID: 1044899). Advanced modeling of protein sequence and biophysical properties (such as structural, functional, and spatial information, amino acid conservation, physicochemical variation, residue mobility, and thermodynamic stability) has been performed at Invitae for this missense variant, however the output from this modeling did not meet the statistical confidence thresholds required to predict the impact of this variant on CYP4V2 protein function. In summary, the available evidence is currently insufficient to determine the role of this variant in disease. Therefore, it has been classified as a Variant of Uncertain Significance.